The following is an entry in ClinVar:

ClinVar aggregate classification (germline): Uncertain significance (1 of 4 stars; one submission).

Submission:

Mayo Clinic Laboratories, Mayo Clinic
Classification: Uncertain significance. Last evaluated: 2025-09-30. Review status: criteria provided, single submitter. Criteria: ACMG Guidelines, 2015. Collection method: clinical testing. Allele origin: germline. Observed: 1 variant allele.
Comment: PM2_supporting

NM_014363.6(SACS):c.6674T>A (p.Phe2225Tyr)

Gene: SACS (sacsin molecular chaperone; minus strand). Cytogenetic location: 13q12.12.
Variant type: single nucleotide variant.
Coding change: c.6674T>A on transcript NM_014363.6 (MANE Select); coding-DNA position 6674, T replaced by A.
Protein change: p.Phe2225Tyr; replaces phenylalanine 2225 with tyrosine.
Molecular consequence: missense variant.
Genome position (GRCh38, 1-based): chr13:23,337,202, A>T on the plus strand (T>A on the coding strand, the complement: SACS is on the minus strand). VCF-style: chr13-23337202-A-T. GRCh37 (hg19) VCF-style: chr13-23911341-A-T.
Other names: p.Phe2225Tyr; c.6233T>A, p.Phe2078Tyr (NM_001278055.2); c.6701T>A, p.Phe2234Tyr (NM_001437336.1); short protein forms F2078Y, F2225Y, F2234Y.
Identifiers: ClinVar variation 4541764 (VCV004541764.1).
Genomic context (GRCh38, chr13:23,337,202, plus strand): 5'-AGGTCAGTTGCTGCAAACATGGTTTCAGGCTTAAAACTGTTGCCTTTCCAGTCCAAAGAA[A>T]AACCTGCTGGTTTTGTCAGAAATGGAAGGAAGCGGATTGTTTGATATTTTGCAGCAAAAT-3'
Protein context (NP_055178.3, residues 2215-2235): FLPFLTKPAG[Phe2225Tyr]SLDWKGNSFK